The following is an entry in ClinVar:

ClinVar aggregate classification (germline): Uncertain significance (1 of 4 stars; one submission).

Allele frequency attached by ClinVar (database versions not stated): gnomAD exomes below 0.00001.
gnomAD v4.1: 4 of 1,614,074 alleles (0.00025%); highest among the groups gnomAD compares: Non-Finnish European, 0.00034%; no homozygotes.

Submission:

CeGaT Center for Human Genetics Tuebingen
Classification: Uncertain significance. Last evaluated: 2023-05-01. Review status: criteria provided, single submitter. Criteria: CeGaT Center For Human Genetics Tuebingen Variant Classification Criteria Version 2. Collection method: clinical testing. Allele origin: germline. Affected: yes. Observed: 1 variant allele.
Comment: MARS1: PM2, PP3

NM_004990.4(MARS1):c.1635+2T>C

Gene: MARS1 (methionyl-tRNA synthetase 1; plus strand). Cytogenetic location: 12q13.3.
Variant type: single nucleotide variant.
Coding change: c.1635+2T>C on transcript NM_004990.4 (MANE Select); the canonical splice donor site of the intron after coding-DNA position 1635, T replaced by C.
Molecular consequence: splice donor variant.
Genome position (GRCh38, 1-based): chr12:57,512,105, T>C. VCF-style: chr12-57512105-T-C. GRCh37 (hg19) VCF-style: chr12-57905888-T-C.
Identifiers: ClinVar variation 2570835 (VCV002570835.27), dbSNP rs1877550095, ClinGen allele CA385461941.